The following is an entry in ClinVar:

NM_004655.4(AXIN2):c.892A>G (p.Asn298Asp)

Gene: AXIN2 (axin 2; minus strand). Cytogenetic location: 17q24.1.
Variant type: single nucleotide variant.
Coding change: c.892A>G on transcript NM_004655.4 (MANE Select); coding-DNA position 892, A replaced by G.
Protein change: p.Asn298Asp; replaces asparagine 298 with aspartic acid.
Molecular consequence: missense variant.
Genome position (GRCh38, 1-based): chr17:65,549,584, T>C on the plus strand (A>G on the coding strand, the complement: AXIN2 is on the minus strand). VCF-style: chr17-65549584-T-C. GRCh37 (hg19) VCF-style: chr17-63545702-T-C.
Other names: c.892A>G (LRG_296t1); c.892A>G, p.Asn298Asp (NM_001363813.1); short protein forms N298D.
Identifiers: ClinVar variation 664426 (VCV000664426.11), dbSNP rs1598110416, ClinGen allele CA400679557.

ClinVar aggregate classification (germline): Uncertain significance. Review status: criteria provided, multiple submitters, no conflicts (2 of 4 stars). 2 submissions from 2 submitters: Uncertain significance (2). Last evaluated 2025-07-30.

Conditions:
Hereditary cancer-predisposing syndrome. Also called: Tumor predisposition; Hereditary neoplastic syndrome; Neoplastic Syndromes, Hereditary; Hereditary Cancer Syndrome. Identifiers: Orphanet 140162, MedGen C0027672, MeSH D009386, MONDO:0015356.
Oligodontia-cancer predisposition syndrome. Also called: TOOTH AGENESIS-COLORECTAL CANCER SYNDROME. Identifiers: Orphanet 300576, MedGen C1837750, MONDO:0012075, OMIM 608615. Disease mechanism: loss of function.

Allele frequency attached by ClinVar (database versions not stated): gnomAD exomes below 0.00001.
gnomAD v4.1: 2 of 1,608,326 alleles (0.00012%); highest among the groups gnomAD compares: Non-Finnish European, 0.00017%; no homozygotes.

Submissions (2):

Labcorp Genetics (formerly Invitae), Labcorp
Classification: Uncertain significance for Oligodontia-cancer predisposition syndrome. Last evaluated: 2025-07-30. Review status: criteria provided, single submitter. Criteria: Invitae Variant Classification Sherloc (09022015). Collection method: clinical testing. Allele origin: germline.
Comment: This sequence change replaces asparagine, which is neutral and polar, with aspartic acid, which is acidic and polar, at codon 298 of the AXIN2 protein (p.Asn298Asp). This variant is not present in population databases (gnomAD no frequency). This variant has not been reported in the literature in individuals affected with AXIN2-related conditions. ClinVar contains an entry for this variant (Variation ID: 664426). Invitae Evidence Modeling of protein sequence and biophysical properties (such as structural, functional, and spatial information, amino acid conservation, physicochemical variation, residue mobility, and thermodynamic stability) indicates that this missense variant is expected to disrupt AXIN2 protein function with a positive predictive value of 80%. In summary, the available evidence is currently insufficient to determine the role of this variant in disease. Therefore, it has been classified as a Variant of Uncertain Significance.

Ambry Genetics
Classification: Uncertain significance for Hereditary cancer-predisposing syndrome. Last evaluated: 2024-03-06. Review status: criteria provided, single submitter. Criteria: Ambry Variant Classification Scheme 2023. Collection method: clinical testing. Allele origin: germline.
Comment: The p.N298D variant (also known as c.892A>G), located in coding exon 2 of the AXIN2 gene, results from an A to G substitution at nucleotide position 892. The asparagine at codon 298 is replaced by aspartic acid, an amino acid with highly similar properties. This amino acid position is conserved. In addition, the in silico prediction for this alteration is inconclusive. Since supporting evidence is limited at this time, the clinical significance of this alteration remains unclear.